The following is an entry in ClinVar:

ClinVar aggregate classification (germline): Uncertain significance (1 of 4 stars; one submission).

Submission:

Labcorp Genetics (formerly Invitae), Labcorp
Classification: Uncertain significance. Last evaluated: 2025-02-24. Review status: criteria provided, single submitter. Criteria: Invitae Variant Classification Sherloc (09022015). Collection method: clinical testing. Allele origin: germline.
Comment: This sequence change replaces valine, which is neutral and non-polar, with isoleucine, which is neutral and non-polar, at codon 1053 of the FAT2 protein (p.Val1053Ile). This variant is not present in population databases (gnomAD no frequency). This variant has not been reported in the literature in individuals affected with FAT2-related conditions. Invitae Evidence Modeling of protein sequence and biophysical properties (such as structural, functional, and spatial information, amino acid conservation, physicochemical variation, residue mobility, and thermodynamic stability) indicates that this missense variant is not expected to disrupt FAT2 protein function with a negative predictive value of 80%. In summary, the available evidence is currently insufficient to determine the role of this variant in disease. Therefore, it has been classified as a Variant of Uncertain Significance.

NM_001447.3(FAT2):c.3157G>A (p.Val1053Ile)

Gene: FAT2 (FAT atypical cadherin 2; minus strand). Cytogenetic location: 5q33.1.
Variant type: single nucleotide variant.
Coding change: c.3157G>A on transcript NM_001447.3 (MANE Select); coding-DNA position 3157, G replaced by A.
Protein change: p.Val1053Ile; replaces valine 1053 with isoleucine.
Molecular consequence: missense variant.
Genome position (GRCh38, 1-based): chr5:151,565,775, C>T on the plus strand (G>A on the coding strand, the complement: FAT2 is on the minus strand). VCF-style: chr5-151565775-C-T. GRCh37 (hg19) VCF-style: chr5-150945336-C-T.
Other names: short protein forms V1053I.
Identifiers: ClinVar variation 3628229 (VCV003628229.2).